The following is an entry in ClinVar:

NM_015340.4(LARS2):c.276T>A (p.Tyr92Ter)

Gene: LARS2 (leucyl-tRNA synthetase 2, mitochondrial; plus strand). Cytogenetic location: 3p21.31.
Variant type: single nucleotide variant.
Coding change: c.276T>A on transcript NM_015340.4 (MANE Select); coding-DNA position 276, T replaced by A.
Protein change: p.Tyr92Ter; replaces tyrosine 92 with a stop codon.
Molecular consequence: nonsense.
Genome position (GRCh38, 1-based): chr3:45,400,286, T>A. VCF-style: chr3-45400286-T-A. GRCh37 (hg19) VCF-style: chr3-45441778-T-A.
Other names: c.276T>A, p.Tyr92Ter (NM_001368263.1); short protein forms Y92*.
Identifiers: ClinVar variation 2125483 (VCV002125483.4), dbSNP rs2528755898, ClinGen allele CA352975424.
Genomic context (GRCh38, chr3:45,400,286, plus strand): 5'-CATTGTCGTTCTTTCCTAGAAATCGAAGCCAAAATTTTACGTGCTTTCCATGTTCCCTTA[T>A]CCTTCTGGTAAGCTGCACATGGGCCATGTGCGTGTCTACACCATCAGCGACACCATAGCA-3'

ClinVar aggregate classification (germline): Pathogenic (1 of 4 stars; one submission).

Submission:

Labcorp Genetics (formerly Invitae), Labcorp
Classification: Pathogenic. Last evaluated: 2024-02-24. Review status: criteria provided, single submitter. Criteria: Invitae Variant Classification Sherloc (09022015). Collection method: clinical testing. Allele origin: germline.
Comment: This sequence change creates a premature translational stop signal (p.Tyr92*) in the LARS2 gene. It is expected to result in an absent or disrupted protein product. Loss-of-function variants in LARS2 are known to be pathogenic (PMID: 23541342, 30737337). This variant is not present in population databases (gnomAD no frequency). This variant has not been reported in the literature in individuals affected with LARS2-related conditions. ClinVar contains an entry for this variant (Variation ID: 2125483). For these reasons, this variant has been classified as Pathogenic.

Literature cited by the submitters: PubMed 23541342; PubMed 30737337.